The following is an entry in ClinVar:

NC_000009.11:g.(?_94808261)_(94810010_?)dup

Gene: SPTLC1 (serine palmitoyltransferase long chain base subunit 1; minus strand). Cytogenetic location: 9q22.31.
Variant type: Duplication.
Identifiers: ClinVar variation 3245075 (VCV003245075.1).

ClinVar aggregate classification (germline): Uncertain significance (1 of 4 stars; one submission).

Conditions:
Hereditary sensory and autonomic neuropathy type 1 (HSAN1). Also called: HSAN 1; HSN Type I; Hereditary Sensory Neuropathy Type I. Identifiers: Orphanet 36386, MedGen C0020071, MONDO:0018213.

Submission:

Labcorp Genetics (formerly Invitae), Labcorp
Classification: Uncertain significance for Hereditary sensory and autonomic neuropathy type 1. Last evaluated: 2022-10-31. Review status: criteria provided, single submitter. Criteria: Invitae Variant Classification Sherloc (09022015). Collection method: clinical testing. Allele origin: unknown.
Comment: In summary, the available evidence is currently insufficient to determine the role of this variant in disease. Therefore, it has been classified as a Variant of Uncertain Significance. This variant has not been reported in the literature in individuals affected with SPTLC1-related conditions. This variant results in a copy number gain of the genomic region encompassing exon(s) 10-12 of the SPTLC1 gene. While the exact position of this variant cannot be determined from the data, sub-genic copy number gains are generally in tandem (PMID: 25640679). This variant is predicted to be out-of-frame, and may result in an absent or disrupted protein product. However, the current clinical and genetic evidence is not sufficient to establish whether loss-of-function variants in SPTLC1 cause disease.

Literature cited by the submitters: PubMed 25640679.